The following is an entry in ClinVar:

NM_024675.4(PALB2):c.85A>G (p.Ser29Gly)

Gene: PALB2 (partner and localizer of BRCA2; minus strand). Cytogenetic location: 16p12.2.
Variant type: single nucleotide variant.
Coding change: c.85A>G on transcript NM_024675.4 (MANE Select); coding-DNA position 85, A replaced by G.
Protein change: p.Ser29Gly; replaces serine 29 with glycine.
Molecular consequence: missense variant.
Genome position (GRCh38, 1-based): chr16:23,638,093, T>C on the plus strand (A>G on the coding strand, the complement: PALB2 is on the minus strand). VCF-style: chr16-23638093-T-C. GRCh37 (hg19) VCF-style: chr16-23649414-T-C.
Other names: short protein forms S29G.
Identifiers: ClinVar variation 188076 (VCV000188076.49), dbSNP rs776110440, ClinGen allele CA333979.
Genomic context (GRCh38, chr16:23,638,093, plus strand): 5'-ACTATAACACCTTAATTTGAGAATACGATTCACTTACCTGAAGGCGGGCTAGTGTCTTGC[T>C]GTATTCCCTTTTCAAGAATGCTAATTTCTCCTTTAACTGGAAGAAGAAAAACACCAACAA-3'
Protein context (NP_078951.2, residues 19-39): EKLAFLKREY[Ser29Gly]KTLARLQRAQ

ClinVar aggregate classification (germline): Conflicting classifications of pathogenicity. Review status: criteria provided, conflicting classifications (1 of 4 stars). 5 submissions from 5 submitters: Uncertain significance (4); Likely benign (1). Last evaluated 2026-01-03.

Conditions:
Hereditary cancer-predisposing syndrome. Also called: Tumor predisposition; Neoplastic Syndromes, Hereditary; Hereditary Cancer Syndrome; Hereditary neoplastic syndrome. Identifiers: Orphanet 140162, MedGen C0027672, MeSH D009386, MONDO:0015356.
Familial cancer of breast. Also called: hereditary breast carcinoma; BREAST CANCER, FAMILIAL; Hereditary breast cancer. Identifiers: Orphanet 227535, MedGen C0346153, MONDO:0016419, OMIM 114480. Disease mechanism: loss of function.

Allele frequency attached by ClinVar (database versions not stated): gnomAD exomes below 0.00001; TOPMed below 0.00001; ExAC 0.00001; gnomAD 0.00001.

Submissions (5):

Labcorp Genetics (formerly Invitae), Labcorp
Classification: Uncertain significance for Familial cancer of breast. Last evaluated: 2026-01-03. Review status: criteria provided, single submitter. Criteria: Invitae Variant Classification Sherloc (09022015). Collection method: clinical testing. Allele origin: germline.
Comment: This sequence change replaces serine, which is neutral and polar, with glycine, which is neutral and non-polar, at codon 29 of the PALB2 protein (p.Ser29Gly). This variant is present in population databases (rs776110440, gnomAD 0.0009%). This missense change has been observed in individual(s) with breast cancer (PMID: 27616075). ClinVar contains an entry for this variant (Variation ID: 188076). An algorithm developed to predict the effect of missense changes on protein structure and function (PolyPhen-2) suggests that this variant is likely to be disruptive. In summary, the available evidence is currently insufficient to determine the role of this variant in disease. Therefore, it has been classified as a Variant of Uncertain Significance.

Ambry Genetics
Classification: Uncertain significance for Hereditary cancer-predisposing syndrome. Last evaluated: 2025-08-08. Review status: criteria provided, single submitter. Criteria: Ambry Variant Classification Scheme 2023. Collection method: clinical testing. Allele origin: germline.
Comment: The p.S29G variant (also known as c.85A>G), located in coding exon 2 of the PALB2 gene, results from an A to G substitution at nucleotide position 85. The serine at codon 29 is replaced by glycine, an amino acid with similar properties. In a study of 581 German high-risk BR and/or OV cancer patients, this variant was detected in one family (Kraus C et al. Int. J. Cancer, 2017 Jan;140:95-102). This alteration was also detected in 1/5589 German BRCA1/2-negative probands diagnosed with breast cancer (Hauke J et al. Cancer Med, 2018 Apr;7:1349-1358). This amino acid position is not well conserved in available vertebrate species. In addition, this alteration is predicted to be tolerated by in silico analysis. Since supporting evidence is limited at this time, the clinical significance of this alteration remains unclear.

Color Diagnostics, LLC DBA Color Health
Classification: Uncertain significance for Hereditary cancer-predisposing syndrome. Last evaluated: 2025-04-28. Review status: criteria provided, single submitter. Criteria: ACMG Guidelines, 2015. Collection method: clinical testing. Allele origin: germline.
Comment: This missense variant replaces serine with glycine at codon 29 of the PALB2 protein. Computational prediction suggests that this variant may not impact protein structure and function. To our knowledge, functional studies have not been reported for this variant. This variant has not been reported in individuals affected with PALB2-related disorders in the literature. This variant has been identified in 1/251480 chromosomes in the general population by the Genome Aggregation Database (gnomAD). The available evidence is insufficient to determine the role of this variant in disease conclusively. Therefore, this variant is classified as a Variant of Uncertain Significance.

Baylor Genetics
Classification: Uncertain significance for Familial cancer of breast. Last evaluated: 2024-01-20. Review status: criteria provided, single submitter. Criteria: ACMG Guidelines, 2015. Collection method: clinical testing. Allele origin: unknown.

CeGaT Center for Human Genetics Tuebingen
Classification: Likely benign. Last evaluated: 2022-04-01. Review status: criteria provided, single submitter. Criteria: CeGaT Center For Human Genetics Tuebingen Variant Classification Criteria Version 2. Collection method: clinical testing. Allele origin: germline. Affected: yes. Observed: 1 variant allele.
Comment: PALB2: BP1, BP4

Literature cited by the submitters: PubMed 27616075 (cited by Labcorp Genetics (formerly Invitae), Labcorp and Ambry Genetics); PubMed 29522266 (cited by Ambry Genetics).